The following is an entry in ClinVar:

NM_001286.5(CLCN6):c.1802C>T (p.Ala601Val)

Gene: CLCN6 (chloride voltage-gated channel 6; plus strand). Cytogenetic location: 1p36.22.
Variant type: single nucleotide variant.
Coding change: c.1802C>T on transcript NM_001286.5 (MANE Select); coding-DNA position 1802, C replaced by T.
Protein change: p.Ala601Val; replaces alanine 601 with valine.
Molecular consequence: missense variant. On other transcripts: non-coding transcript variant (1).
Genome position (GRCh38, 1-based): chr1:11,835,975, C>T. VCF-style: chr1-11835975-C-T. GRCh37 (hg19) VCF-style: chr1-11896032-C-T.
Other names: c.1736C>T, p.Ala579Val (NM_001256959.2); short protein forms A601V, A579V.
Identifiers: ClinVar variation 2843033 (VCV002843033.3), dbSNP rs2523164390, ClinGen allele CA338437536.

ClinVar aggregate classification (germline): Uncertain significance (1 of 4 stars; one submission).

Submission:

Labcorp Genetics (formerly Invitae), Labcorp
Classification: Uncertain significance. Last evaluated: 2023-06-09. Review status: criteria provided, single submitter. Criteria: Invitae Variant Classification Sherloc (09022015). Collection method: clinical testing. Allele origin: germline.
Comment: In summary, the available evidence is currently insufficient to determine the role of this variant in disease. Therefore, it has been classified as a Variant of Uncertain Significance. An algorithm developed to predict the effect of missense changes on protein structure and function (PolyPhen-2) suggests that this variant is likely to be disruptive. This variant has not been reported in the literature in individuals affected with CLCN6-related conditions. This variant is not present in population databases (gnomAD no frequency). This sequence change replaces alanine, which is neutral and non-polar, with valine, which is neutral and non-polar, at codon 601 of the CLCN6 protein (p.Ala601Val).